The following is an entry in ClinVar:

ClinVar aggregate classification (germline): Uncertain significance (1 of 4 stars; one submission).

Conditions:
Neuroblastoma, susceptibility to, 3. Also called: ALK-Related Neuroblastic Tumor Susceptibility. Identifiers: Orphanet 635, MedGen C2751681, MONDO:0013083, OMIM 613014.

Submission:

Labcorp Genetics (formerly Invitae), Labcorp
Classification: Uncertain significance for Neuroblastoma, susceptibility to, 3. Last evaluated: 2024-04-29. Review status: criteria provided, single submitter. Criteria: Invitae Variant Classification Sherloc (09022015). Collection method: clinical testing. Allele origin: germline.
Comment: This sequence change creates a premature translational stop signal (p.Tyr361*) in the ALK gene. It is expected to result in an absent or disrupted protein product. However, the current clinical and genetic evidence is not sufficient to establish whether loss-of-function variants in ALK cause disease. This variant is not present in population databases (gnomAD no frequency). This variant has not been reported in the literature in individuals affected with ALK-related conditions. ClinVar contains an entry for this variant (Variation ID: 2087479). In summary, the available evidence is currently insufficient to determine the role of this variant in disease. Therefore, it has been classified as a Variant of Uncertain Significance.

NM_004304.5(ALK):c.1083C>A (p.Tyr361Ter)

Gene: ALK (ALK receptor tyrosine kinase; minus strand). Cytogenetic location: 2p23.2.
Variant type: single nucleotide variant.
Coding change: c.1083C>A on transcript NM_004304.5 (MANE Select); coding-DNA position 1083, C replaced by A.
Protein change: p.Tyr361Ter; replaces tyrosine 361 with a stop codon.
Molecular consequence: nonsense.
Genome position (GRCh38, 1-based): chr2:29,531,986, G>T on the plus strand (C>A on the coding strand, the complement: ALK is on the minus strand). VCF-style: chr2-29531986-G-T. GRCh37 (hg19) VCF-style: chr2-29754852-G-T.
Other names: short protein forms Y361*.
Identifiers: ClinVar variation 2087479 (VCV002087479.4), dbSNP rs146261919, ClinGen allele CA346587310.